The following is an entry in ClinVar:

NM_030632.3(ASXL3):c.2193G>A (p.Val731=)

Gene: ASXL3 (ASXL transcriptional regulator 3; plus strand). Cytogenetic location: 18q12.1.
Variant type: single nucleotide variant.
Coding change: c.2193G>A on transcript NM_030632.3 (MANE Select); coding-DNA position 2193, G replaced by A.
Protein change: p.Val731=; no amino-acid change (valine 731 retained).
Molecular consequence: synonymous variant.
Genome position (GRCh38, 1-based): chr18:33,739,597, G>A. VCF-style: chr18-33739597-G-A. GRCh37 (hg19) VCF-style: chr18-31319561-G-A.
Other names: c.2193G>A (NM_030632.2).
Identifiers: ClinVar variation 1181313 (VCV001181313.30), dbSNP rs61978635, ClinGen allele CA8933882.

ClinVar aggregate classification (germline): Benign/Likely benign. Review status: criteria provided, multiple submitters, no conflicts (2 of 4 stars). 4 submissions from 4 submitters: Benign (1); Likely benign (2). 1 of the submissions does not count toward it. Last evaluated 2026-03-01.

Conditions:
ASXL3-related disorder. Also called: ASXL3-related condition. Identifiers: MedGen CN381524.

Allele frequency attached by ClinVar (database versions not stated): 1000 Genomes Project 30x 0.00016; 1000 Genomes Project 0.00020; gnomAD exomes 0.00083 and 0.00108; gnomAD 0.00086 and 0.00089; TOPMed 0.00096; ExAC 0.00105; ESP Exome Variant Server 0.00115.
gnomAD v4.1: 1,392 of 1,613,948 alleles (0.086%); highest among the groups gnomAD compares: Middle Eastern, 0.2%; 4 homozygotes.

Submissions (4):

CeGaT Center for Human Genetics Tuebingen
Classification: Likely benign. Last evaluated: 2026-03-01. Review status: criteria provided, single submitter. Criteria: CeGaT Center For Human Genetics Tuebingen Variant Classification Criteria Version 2. Collection method: clinical testing. Allele origin: germline. Affected: yes. Observed: 6 variant alleles.
Comment: ASXL3: BP4, BS1

Blueprint Genetics
Classification: Likely benign. Last evaluated: 2024-11-08. Review status: criteria provided, single submitter. Criteria: ACMG Guidelines, 2015. Collection method: clinical testing. Allele origin: germline.

GeneDx
Classification: Benign. Last evaluated: 2020-06-22. Review status: criteria provided, single submitter. Criteria: GeneDx Variant Classification Process June 2021. Collection method: clinical testing. Allele origin: germline. Affected: yes.

PreventionGenetics, part of Exact Sciences
Classification: Likely benign for ASXL3-related condition. Last evaluated: 2024-03-05. Review status: no assertion criteria provided. Collection method: clinical testing. Allele origin: germline. Not counted in ClinVar's aggregate classification.
Comment: This variant is classified as likely benign based on ACMG/AMP sequence variant interpretation guidelines (Richards et al. 2015 PMID: 25741868, with internal and published modifications).